The following is an entry in ClinVar:

NM_002972.4(SBF1):c.498C>T (p.Asn166=)

Gene: SBF1 (SET binding factor 1; minus strand). Cytogenetic location: 22q13.33.
Variant type: single nucleotide variant.
Coding change: c.498C>T on transcript NM_002972.4 (MANE Select); coding-DNA position 498, C replaced by T.
Protein change: p.Asn166=; no amino-acid change (asparagine 166 retained).
Molecular consequence: synonymous variant.
Genome position (GRCh38, 1-based): chr22:50,467,389, G>A on the plus strand (C>T on the coding strand, the complement: SBF1 is on the minus strand). VCF-style: chr22-50467389-G-A. GRCh37 (hg19) VCF-style: chr22-50905818-G-A.
Other names: c.501C>T, p.Asn167= (NM_001365819.1).
Identifiers: ClinVar variation 733037 (VCV000733037.14), dbSNP rs373725377, ClinGen allele CA10318056.
Genomic context (GRCh38, chr22:50,467,389, plus strand): 5'-AAAACTCACCTGCGAGCCCCCAGCCAGGGGCACAGTGCACGTCAGCAGGTTCCCAATCAC[G>A]TTCTCCAGGCACACATTCAGGCCCTCCACGTGGATGGCATAGATGAGGCCAAGGCTGTTC-3'
Protein context (NP_002963.2, residues 156-176): HVEGLNVCLE[Asn166=]VIGNLLTCTV

ClinVar aggregate classification (germline): Likely benign. Review status: criteria provided, multiple submitters, no conflicts (2 of 4 stars). 4 submissions from 4 submitters: Likely benign (3). 1 of the submissions does not count toward it. Last evaluated 2026-01-21.

Conditions:
SBF1-related disorder. Also called: SBF1-related condition.

Allele frequency attached by ClinVar (database versions not stated): gnomAD exomes 0.00012 and 0.00014; 1000 Genomes Project 30x 0.00016; ExAC 0.00017; 1000 Genomes Project 0.00020; gnomAD 0.00038 and 0.00040; ESP Exome Variant Server 0.00039; TOPMed 0.00041.
gnomAD v4.1: 238 of 1,614,134 alleles (0.015%); highest among the groups gnomAD compares: African/African-American, 0.091%; no homozygotes.

Submissions (4):

Labcorp Genetics (formerly Invitae), Labcorp
Classification: Likely benign. Last evaluated: 2026-01-21. Review status: criteria provided, single submitter. Criteria: Invitae Variant Classification Sherloc (09022015). Collection method: clinical testing. Allele origin: germline.

Blueprint Genetics
Classification: Likely benign. Last evaluated: 2024-11-06. Review status: criteria provided, single submitter. Criteria: ACMG Guidelines, 2015. Collection method: clinical testing. Allele origin: germline.

GeneDx
Classification: Likely benign. Last evaluated: 2019-10-16. Review status: criteria provided, single submitter. Criteria: GeneDx Variant Classification Process June 2021. Collection method: clinical testing. Allele origin: germline. Affected: yes.

PreventionGenetics, part of Exact Sciences
Classification: Likely benign for SBF1-related condition. Last evaluated: 2019-06-11. Review status: no assertion criteria provided. Collection method: clinical testing. Allele origin: germline. Not counted in ClinVar's aggregate classification.
Comment: This variant is classified as likely benign based on ACMG/AMP sequence variant interpretation guidelines (Richards et al. 2015 PMID: 25741868, with internal and published modifications).